The following is an entry in ClinVar:

NM_002465.4(MYBPC1):c.3405G>T (p.Val1135=)

Gene: MYBPC1 (myosin binding protein C1; plus strand). Cytogenetic location: 12q23.2.
Variant type: single nucleotide variant.
Coding change: c.3405G>T on transcript NM_002465.4 (MANE Select); coding-DNA position 3405, G replaced by T.
Protein change: p.Val1135=; no amino-acid change (valine 1135 retained).
Molecular consequence: synonymous variant.
Genome position (GRCh38, 1-based): chr12:101,680,501, G>T. VCF-style: chr12-101680501-G-T. GRCh37 (hg19) VCF-style: chr12-102074279-G-T.
Other names: c.3384G>T, p.Val1128= (NM_001254718.3, NM_206820.4); c.3330G>T, p.Val1110= (NM_001254719.3, NM_206821.4); c.3294G>T, p.Val1098= (NM_001254720.3); c.3273G>T, p.Val1091= (NM_001254721.3, NM_001404676.1, NM_001404678.1); c.3252G>T, p.Val1084= (NM_001254722.3, NM_001404680.1); c.3291G>T, p.Val1097= (NM_001254723.3); c.3405G>T, p.Val1135= (NM_001404675.1, NM_206819.4); c.3195G>T, p.Val1065= (NM_001404677.1, NM_001404679.1, NM_001404681.1).
Identifiers: ClinVar variation 882563 (VCV000882563.8), dbSNP rs767982400, ClinGen allele CA6745389.

ClinVar aggregate classification (germline): Likely benign. Review status: criteria provided, single submitter (1 of 4 stars). 2 submissions from 2 submitters: Likely benign (1). 1 of the submissions does not count toward it. Last evaluated 2018-01-12.

Conditions:
Arthrogryposis, distal, type 1B. Identifiers: Orphanet 1146, MedGen C3280526, MONDO:0013698, OMIM 614335.
MYBPC1-related disorder. Also called: MYBPC1-related condition.

Allele frequency attached by ClinVar (database versions not stated): gnomAD 0.00001; gnomAD exomes 0.00001 and 0.00002; ExAC 0.00002; TOPMed 0.00006.
gnomAD v4.1: 16 of 1,613,964 alleles (0.00099%); highest among the groups gnomAD compares: Admixed American, 0.0067%; no homozygotes.

Submissions (2):

Illumina Laboratory Services, Illumina
Classification: Likely benign for Arthrogryposis, distal, type 1B. Last evaluated: 2018-01-12. Review status: criteria provided, single submitter. Criteria: ICSL Variant Classification Criteria 13 December 2019. Collection method: clinical testing. Allele origin: germline.
Comment: This variant was observed in the ICSL laboratory as part of a predisposition screen in an ostensibly healthy population. It had not been previously curated by ICSL or reported in the Human Gene Mutation Database (HGMD: prior to June 1st, 2018), and was therefore a candidate for classification through an automated scoring system. Utilizing variant allele frequency, disease prevalence and penetrance estimates, and inheritance mode, an automated score was calculated to assess if this variant is too frequent to cause the disease. Based on the score and internal cut-off values, a variant classified as likely benign is not then subjected to further curation. The score for this variant resulted in a classification of likely benign for this disease.

PreventionGenetics, part of Exact Sciences
Classification: Likely benign for MYBPC1-related condition. Last evaluated: 2019-05-08. Review status: no assertion criteria provided. Collection method: clinical testing. Allele origin: germline. Not counted in ClinVar's aggregate classification.
Comment: This variant is classified as likely benign based on ACMG/AMP sequence variant interpretation guidelines (Richards et al. 2015 PMID: 25741868, with internal and published modifications).